The following is an entry in ClinVar:

ClinVar aggregate classification (germline): Uncertain significance (1 of 4 stars; one submission).

Conditions:
SCN2A-related disorder. Also called: SCN2A-related condition; SCN2A-related disorders. Identifiers: MedGen CN382226, MONDO:1060245.

Submission:

PreventionGenetics, part of Exact Sciences
Classification: Uncertain significance for SCN2A-related condition. Last evaluated: 2025-06-05. Review status: criteria provided, single submitter. Criteria: ACMG Guidelines, 2015. Collection method: clinical testing. Allele origin: germline.
Comment: The SCN2A c.5686A>T variant is predicted to result in the amino acid substitution p.Ile1896Phe. To our knowledge, this variant has not been reported in the literature or in a large population database (gnomAD), indicating this variant is rare. At this time, the clinical significance of this variant is uncertain due to the absence of conclusive functional and genetic evidence.

NM_001040142.2(SCN2A):c.5686A>T (p.Ile1896Phe)

Gene: SCN2A (sodium voltage-gated channel alpha subunit 2; plus strand). Cytogenetic location: 2q24.3.
Variant type: single nucleotide variant.
Coding change: c.5686A>T on transcript NM_001040142.2 (MANE Select); coding-DNA position 5686, A replaced by T.
Protein change: p.Ile1896Phe; replaces isoleucine 1896 with phenylalanine.
Molecular consequence: missense variant.
Genome position (GRCh38, 1-based): chr2:165,389,492, A>T. VCF-style: chr2-165389492-A-T. GRCh37 (hg19) VCF-style: chr2-166246002-A-T.
Other names: c.5686A>T, p.Ile1896Phe (NM_001040143.2, NM_001371246.1, NM_001371247.1 and 1 more transcripts); short protein forms I1896F.
Identifiers: ClinVar variation 4999342 (VCV004999342.1).